The following is an entry in ClinVar:

NM_015512.5(DNAH1):c.7805+12_7805+13inv

Gene: DNAH1 (dynein axonemal heavy chain 1; plus strand). Cytogenetic location: 3p21.1.
Variant type: Inversion.
Coding change: c.7805+12_7805+13inv on transcript NM_015512.5 (MANE Select).
Molecular consequence: intron variant.
Genome position: GRCh38 VCF-style: chr3-52381848-CA-TG. GRCh37 (hg19) VCF-style: chr3-52415864-CA-TG.
Identifiers: ClinVar variation 2043762 (VCV002043762.4), ClinGen allele CA2580070256.

ClinVar aggregate classification (germline): Uncertain significance (1 of 4 stars; one submission).

Conditions:
Spermatogenic failure 18. Identifiers: MedGen C4539783, MONDO:0054615, OMIM 617576.
Ciliary dyskinesia, primary, 37 (CILD37). Also called: CILIARY DYSKINESIA, PRIMARY, 37, WITH OR WITHOUT SITUS INVERSUS. Identifiers: MedGen C4539798, MONDO:0033204, OMIM 617577.

Submission:

Labcorp Genetics (formerly Invitae), Labcorp
Classification: Uncertain significance for Ciliary dyskinesia, primary, 37; Spermatogenic failure 18. Last evaluated: 2024-01-22. Review status: criteria provided, single submitter. Criteria: Invitae Variant Classification Sherloc (09022015). Collection method: clinical testing. Allele origin: germline.
Comment: This sequence change falls in intron 49 of the DNAH1 gene. It does not directly change the encoded amino acid sequence of the DNAH1 protein. Information on the frequency of this variant in the gnomAD database is not available, as this variant may be reported differently in the database. This variant has not been reported in the literature in individuals affected with DNAH1-related conditions. ClinVar contains an entry for this variant (Variation ID: 2043762). Experimental studies and prediction algorithms are not available or were not evaluated, and the effect of this variant on mRNA splicing is currently unknown. In summary, the available evidence is currently insufficient to determine the role of this variant in disease. Therefore, it has been classified as a Variant of Uncertain Significance.